The following is an entry in ClinVar:

ClinVar aggregate classification (germline): Pathogenic/Likely pathogenic. Review status: criteria provided, multiple submitters, no conflicts (2 of 4 stars). 3 submissions from 3 submitters: Pathogenic (2); Likely pathogenic (1). Last evaluated 2024-12-09.

Conditions:
Glutaric acidemia type 2C.
Multiple acyl-CoA dehydrogenase deficiency (MADD). Also called: Glutaric aciduria, type 2; Glutaric acidemia type II; GA 2; ETHYLMALONIC-ADIPICACIDURIA; GA II; Glutaric Acidemia type 2. Identifiers: Orphanet 26791, MedGen C0268596, MONDO:0009282, OMIM 231680.

Allele frequency attached by ClinVar (database versions not stated): gnomAD exomes below 0.00001.
gnomAD v4.1: 1 of 1,610,782 alleles (0.000062%); highest among the groups gnomAD compares: Non-Finnish European, 0.000085%; no homozygotes.

Submissions (3):

Natera, Inc.
Classification: Likely pathogenic for Glutaric acidemia type 2C. Last evaluated: 2024-12-09. Review status: criteria provided, single submitter. Criteria: Natera Variant Classification Schema (03/2026). Collection method: clinical testing. Allele origin: germline.
Comment: The c.157A>T variant in ETFDH is a nonsense variant predicted to introduce a stop codon at amino acid 53. This variant is expected to result in nonsense mediated decay, truncation, or a dysfunctional protein product. This variant is rare in the general population with a frequency below the threshold expected for the associated phenotype(s). Given the available evidence, this variant is classified as Likely Pathogenic.

Labcorp Genetics (formerly Invitae), Labcorp
Classification: Pathogenic for Multiple acyl-CoA dehydrogenase deficiency. Last evaluated: 2022-10-30. Review status: criteria provided, single submitter. Criteria: Invitae Variant Classification Sherloc (09022015). Collection method: clinical testing. Allele origin: germline.
Comment: ClinVar contains an entry for this variant (Variation ID: 235305). This variant has not been reported in the literature in individuals affected with ETFDH-related conditions. This variant is not present in population databases (gnomAD no frequency). This sequence change creates a premature translational stop signal (p.Lys53*) in the ETFDH gene. It is expected to result in an absent or disrupted protein product. Loss-of-function variants in ETFDH are known to be pathogenic (PMID: 16510302, 23785301). For these reasons, this variant has been classified as Pathogenic.

Center for Pediatric Genomic Medicine, Children's Mercy Hospital and Clinics
Classification: Pathogenic. Last evaluated: 2015-08-26. Review status: criteria provided, single submitter. Criteria: ACMG Guidelines, 2015. Collection method: clinical testing. Allele origin: germline.

Literature cited by the submitters: PubMed 16510302 (cited by Labcorp Genetics (formerly Invitae), Labcorp); PubMed 23785301 (cited by Labcorp Genetics (formerly Invitae), Labcorp).

NM_004453.4(ETFDH):c.157A>T (p.Lys53Ter)

Gene: ETFDH (electron transfer flavoprotein dehydrogenase; plus strand). Cytogenetic location: 4q32.1.
Variant type: single nucleotide variant.
Coding change: c.157A>T on transcript NM_004453.4 (MANE Select); coding-DNA position 157, A replaced by T.
Protein change: p.Lys53Ter; replaces lysine 53 with a stop codon.
Molecular consequence: nonsense. On other transcripts: intron variant (1).
Genome position (GRCh38, 1-based): chr4:158,680,589, A>T. VCF-style: chr4-158680589-A-T. GRCh37 (hg19) VCF-style: chr4-159601741-A-T.
Other names: c.35-1606A>T (NM_001281737.2); c.157A>T (NM_004453.3); short protein forms K53*.
Identifiers: ClinVar variation 235305 (VCV000235305.6), dbSNP rs878853006, ClinGen allele CA10581271.